The following is an entry in ClinVar:

ClinVar aggregate classification (germline): Uncertain significance (1 of 4 stars; one submission).

Conditions:
Inborn genetic diseases. Identifiers: MedGen C0950123, MeSH D030342.

Submission:

Ambry Genetics
Classification: Uncertain significance for Inborn genetic diseases. Last evaluated: 2025-12-22. Review status: criteria provided, single submitter. Criteria: Ambry Variant Classification Scheme 2023. Collection method: clinical testing. Allele origin: germline.
Comment: The p.R176L variant (also known as c.527G>T), located in coding exon 1 of the SAMD9L gene, results from a G to T substitution at nucleotide position 527. The arginine at codon 176 is replaced by leucine, an amino acid with dissimilar properties. This amino acid position is conserved. In addition, this alteration is predicted to be tolerated by in silico analysis. Based on the available evidence, the clinical significance of this variant remains unclear.

NM_152703.5(SAMD9L):c.527G>T (p.Arg176Leu)

Gene: SAMD9L (sterile alpha motif domain containing 9 like; minus strand). Cytogenetic location: 7q21.2.
Variant type: single nucleotide variant.
Coding change: c.527G>T on transcript NM_152703.5 (MANE Select); coding-DNA position 527, G replaced by T.
Protein change: p.Arg176Leu; replaces arginine 176 with leucine.
Molecular consequence: missense variant.
Genome position (GRCh38, 1-based): chr7:93,135,445, C>A on the plus strand (G>T on the coding strand, the complement: SAMD9L is on the minus strand). VCF-style: chr7-93135445-C-A. GRCh37 (hg19) VCF-style: chr7-92764758-C-A.
Other names: c.527G>T, p.Arg176Leu (NM_001303496.3, NM_001303497.3, NM_001303498.3 and 5 more transcripts); short protein forms R176L.
Identifiers: ClinVar variation 4842009 (VCV004842009.1).
Genomic context (GRCh38, chr7:93,135,445, plus strand): 5'-ATTGGATCAATGAGATTGAGTGCTCCTGTTTCAGGTTGTAGAGTATAATGTTCTATGTAG[C>A]GATGGCTGTCATGGAACTGATCAAAAGGATATGGCATACAAGTCAATTGTTCAGGTTTTA-3'
Protein context (NP_689916.2, residues 166-186): YPFDQFHDSH[Arg176Leu]YIEHYTLQPE